The following is an entry in ClinVar:

ClinVar aggregate classification (germline): Uncertain significance (1 of 4 stars; one submission).

gnomAD v4.1: 2 of 1,550,894 alleles (0.00013%); highest among the groups gnomAD compares: Non-Finnish European, 0.00017%; no homozygotes.

Submission:

GeneDx
Classification: Uncertain significance. Last evaluated: 2025-03-03. Review status: criteria provided, single submitter. Criteria: GeneDx Variant Classification Process June 2021. Collection method: clinical testing. Allele origin: germline.
Comment: Not observed at significant frequency in large population cohorts (gnomAD); In silico analysis supports that this missense variant has a deleterious effect on protein structure/function; Has not been previously published as pathogenic or benign to our knowledge

NM_020928.2(ZSWIM6):c.2740C>T (p.Arg914Trp)

Gene: ZSWIM6 (zinc finger SWIM-type containing 6; plus strand). Cytogenetic location: 5q12.1.
Variant type: single nucleotide variant.
Coding change: c.2740C>T on transcript NM_020928.2 (MANE Select); coding-DNA position 2740, C replaced by T.
Protein change: p.Arg914Trp; replaces arginine 914 with tryptophan.
Molecular consequence: missense variant.
Genome position (GRCh38, 1-based): chr5:61,541,920, C>T. VCF-style: chr5-61541920-C-T. GRCh37 (hg19) VCF-style: chr5-60837747-C-T.
Other names: short protein forms R914W.
Identifiers: ClinVar variation 3340915 (VCV003340915.2).